The following is an entry in ClinVar:

NM_001267550.2(TTN):c.71037_71038del (p.Arg23679fs)

Genes: TTN (titin; minus strand), TTN-AS1 (TTN antisense RNA 1; plus strand). Cytogenetic location: 2q31.2.
Variant type: Microsatellite.
Coding change: c.71037_71038del on transcript NM_001267550.2 (MANE Select); coding-DNA positions 71037 to 71038, 2 bases deleted (AG; older notation c.71037_71038delAG).
Protein change: p.Arg23679fs; shifts the reading frame from arginine 23679.
Molecular consequence: frameshift variant.
Genome position (GRCh38, 1-based): chr2:178,575,094-178,575,095, CT deleted on the plus strand (AG on the coding strand, the reverse complement: TTN is on the minus strand); deleting any 2 consecutive bases within chr2:178,575,094-178,575,099 gives the same sequence; the c. name uses the placement nearest the transcript's 3' end. VCF-style (leftmost placement, unchanged base first): chr2-178575093-ACT-A. GRCh37 (hg19) VCF-style: chr2-179439820-ACT-A.
Other names: c.66114_66115del, p.Arg22038fs (NM_001256850.1); c.43842_43843del, p.Arg14614fs (NM_003319.4); c.63333_63334del, p.Arg21111fs (NM_133378.4); c.44217_44218del, p.Arg14739fs (NM_133432.3); c.44418_44419del, p.Arg14806fs (NM_133437.4); short protein forms R14614fs, R14739fs, R14806fs, R21111fs, R22038fs, R23679fs.
Identifiers: ClinVar variation 3750472 (VCV003750472.4).

ClinVar aggregate classification (germline): Likely pathogenic. Review status: criteria provided, multiple submitters, no conflicts (2 of 4 stars). 2 submissions from 2 submitters: Likely pathogenic (2). Last evaluated 2025-05-29.

Conditions:
Dilated cardiomyopathy 1G (CMD1G). Identifiers: Orphanet 154, MedGen C1858763, MONDO:0011400, OMIM 604145.
Autosomal recessive limb-girdle muscular dystrophy type 2J (LGMDR10). Also called: MUSCULAR DYSTROPHY, LIMB-GIRDLE, AUTOSOMAL RECESSIVE 10; Limb-girdle muscular dystrophy, type 2J. Identifiers: Orphanet 140922, MedGen C1837342, MONDO:0012127, OMIM 608807.
Myopathy, myofibrillar, 9, with early respiratory failure (MFM9). Also called: Myopathy, distal, with early respiratory failure, autosomal dominant; Hereditary myopathy with early respiratory failure; EDSTROM MYOPATHY; MYOPATHY, PROXIMAL, WITH EARLY RESPIRATORY MUSCLE INVOLVEMENT. Identifiers: Orphanet 178464, Orphanet 34521, MedGen C1863599, MONDO:0011362, OMIM 603689.
Early-onset myopathy with fatal cardiomyopathy (CMYO5). Also called: CONGENITAL MYOPATHY 5 WITH CARDIOMYOPATHY; Salih Myopathy. Identifiers: Orphanet 289377, MedGen C2673677, MONDO:0012714, OMIM 611705. Disease mechanism: loss of function.
Tibial muscular dystrophy (TMD). Also called: UDD MYOPATHY; Udd Distal Myopathy – Tibial Muscular Dystrophy; Tibial muscular dystrophy, tardive. Identifiers: Orphanet 609, MedGen C1838244, MONDO:0010870, OMIM 600334.
Hypertrophic cardiomyopathy 9. Also called: Familial hypertrophic cardiomyopathy 9. Identifiers: MedGen C1861065, MONDO:0013412, OMIM 613765.

Submissions (2):

Labcorp Genetics (formerly Invitae), Labcorp
Classification: Likely pathogenic for Dilated cardiomyopathy 1G; Autosomal recessive limb-girdle muscular dystrophy type 2J. Last evaluated: 2025-05-29. Review status: criteria provided, single submitter. Criteria: Invitae Variant Classification Sherloc (09022015). Collection method: clinical testing. Allele origin: germline.
Comment: This sequence change creates a premature translational stop signal (p.Arg23679Serfs*2) in the TTN gene. While this is not anticipated to result in nonsense mediated decay, it is expected to create a truncated TTN protein. This variant is not present in population databases (gnomAD no frequency). This variant has not been reported in the literature in individuals affected with TTN-related conditions. ClinVar contains an entry for this variant (Variation ID: 3750472). This variant is located in the A band of TTN (PMID: 25589632). Truncating variants in this region are significantly overrepresented in patients affected with dilated cardiomyopathy (PMID: 25589632). Truncating variants in this region have also been reported in individuals affected with autosomal recessive centronuclear myopathy (PMID: 23975875). In summary, the currently available evidence indicates that the variant is pathogenic, but additional data are needed to prove that conclusively. Therefore, this variant has been classified as Likely Pathogenic.

Juno Genomics, Hangzhou Juno Genomics, Inc
Classification: Likely pathogenic for Tibial muscular dystrophy; Early-onset myopathy with fatal cardiomyopathy; Dilated cardiomyopathy 1G; Hypertrophic cardiomyopathy 9; Autosomal recessive limb-girdle muscular dystrophy type 2J; Myopathy, myofibrillar, 9, with early respiratory failure. Review status: criteria provided, single submitter. Criteria: ACMG Guidelines, 2015. Collection method: clinical testing. Allele origin: germline.
Comment: Null variant in a gene where loss of function (LOF) is a known mechanism of disease.;Absent from controls (or at extremely low frequency if recessive) in Genome Aggregation Database.

Literature cited by the submitters: PubMed 25589632 (cited by Labcorp Genetics (formerly Invitae), Labcorp); PubMed 23975875 (cited by Labcorp Genetics (formerly Invitae), Labcorp).